The following is an entry in ClinVar:

ClinVar aggregate classification (germline): Benign. Review status: criteria provided, multiple submitters, no conflicts (2 of 4 stars). 3 submissions from 3 submitters: Benign (3). Last evaluated 2019-12-31.

Conditions:
White sponge nevus 1. Also called: LEUKOKERATOSIS, HEREDITARY MUCOSAL. Identifiers: MedGen C4011926, MONDO:0008676, OMIM 193900.

Allele frequency attached by ClinVar (database versions not stated): gnomAD exomes 0.00186 and 0.00409; ExAC 0.00454; gnomAD 0.01042; ESP Exome Variant Server 0.01207; TOPMed 0.01246; 1000 Genomes Project 0.01358; 1000 Genomes Project 30x 0.01483.
gnomAD v4.1: 4,697 of 1,614,094 alleles (0.29%); highest among the groups gnomAD compares: African/African-American, 3.8%; 57 homozygotes.

Submissions (3):

Labcorp Genetics (formerly Invitae), Labcorp
Classification: Benign. Last evaluated: 2019-12-31. Review status: criteria provided, single submitter. Criteria: Invitae Variant Classification Sherloc (09022015). Collection method: clinical testing. Allele origin: germline.

Illumina Laboratory Services, Illumina
Classification: Benign for White sponge nevus 1. Last evaluated: 2018-01-12. Review status: criteria provided, single submitter. Criteria: ICSL Variant Classification Criteria 13 December 2019. Collection method: clinical testing. Allele origin: germline.
Comment: This variant was observed in the ICSL laboratory as part of a predisposition screen in an ostensibly healthy population. It had not been previously curated by ICSL or reported in the Human Gene Mutation Database (HGMD: prior to June 1st, 2018), and was therefore a candidate for classification through an automated scoring system. Utilizing variant allele frequency, disease prevalence and penetrance estimates, and inheritance mode, an automated score was calculated to assess if this variant is too frequent to cause the disease. Based on the score and internal cut-off values, a variant classified as benign is not then subjected to further curation. The score for this variant resulted in a classification of benign for this disease.

Breakthrough Genomics
Classification: Benign. Review status: criteria provided, single submitter. Criteria: ACMG Guidelines, 2015. Collection method: not provided. Allele origin: germline. Inheritance: Autosomal dominant inheritance. Affected: yes.

NM_002272.4(KRT4):c.404C>T (p.Thr135Met)

Gene: KRT4 (keratin 4; minus strand). Cytogenetic location: 12q13.13.
Variant type: single nucleotide variant.
Coding change: c.404C>T on transcript NM_002272.4 (MANE Select); coding-DNA position 404, C replaced by T.
Protein change: p.Thr135Met; replaces threonine 135 with methionine.
Molecular consequence: missense variant.
Genome position (GRCh38, 1-based): chr12:52,813,655, G>A on the plus strand (C>T on the coding strand, the complement: KRT4 is on the minus strand). VCF-style: chr12-52813655-G-A. GRCh37 (hg19) VCF-style: chr12-53207439-G-A.
Other names: short protein forms T135M.
Identifiers: ClinVar variation 309701 (VCV000309701.10), dbSNP rs17119475, ClinGen allele CA6588750.